The following is an entry in ClinVar:

NM_000632.4(ITGAM):c.3312C>G (p.Asn1104Lys)

Gene: ITGAM (integrin subunit alpha M; plus strand). Cytogenetic location: 16p11.2.
Variant type: single nucleotide variant.
Coding change: c.3312C>G on transcript NM_000632.4 (MANE Select); coding-DNA position 3312, C replaced by G.
Protein change: p.Asn1104Lys; replaces asparagine 1104 with lysine.
Molecular consequence: missense variant.
Genome position (GRCh38, 1-based): chr16:31,331,200, C>G. VCF-style: chr16-31331200-C-G. GRCh37 (hg19) VCF-style: chr16-31342521-C-G.
Other names: c.3315C>G, p.Asn1105Lys (NM_001145808.2); c.3312C>G (NM_000632.3); short protein forms N1105K, N1104K.
Identifiers: ClinVar variation 1431753 (VCV001431753.6), dbSNP rs377004368, ClinGen allele CA8026159.

ClinVar aggregate classification (germline): Uncertain significance. Review status: criteria provided, multiple submitters, no conflicts (2 of 4 stars). 2 submissions from 2 submitters: Uncertain significance (2). Last evaluated 2026-01-02.

Allele frequency attached by ClinVar (database versions not stated): ESP Exome Variant Server 0.00008.
gnomAD v4.1: 57 of 1,613,164 alleles (0.0035%); highest among the groups gnomAD compares: African/African-American, 0.068%; 2 homozygotes.

Submissions (2):

Labcorp Genetics (formerly Invitae), Labcorp
Classification: Uncertain significance. Last evaluated: 2026-01-02. Review status: criteria provided, single submitter. Criteria: Invitae Variant Classification Sherloc (09022015). Collection method: clinical testing. Allele origin: germline.
Comment: This sequence change replaces asparagine, which is neutral and polar, with lysine, which is basic and polar, at codon 1104 of the ITGAM protein (p.Asn1104Lys). This variant is present in population databases (rs377004368, gnomAD 0.06%). This variant has not been reported in the literature in individuals affected with ITGAM-related conditions. ClinVar contains an entry for this variant (Variation ID: 1431753). An algorithm developed to predict the effect of missense changes on protein structure and function (PolyPhen-2) suggests that this variant is likely to be tolerated. In summary, the available evidence is currently insufficient to determine the role of this variant in disease. Therefore, it has been classified as a Variant of Uncertain Significance.

Ambry Genetics
Classification: Uncertain significance. Last evaluated: 2025-01-08. Review status: criteria provided, single submitter. Criteria: Ambry Variant Classification Scheme 2023. Collection method: clinical testing. Allele origin: germline.